The following is an entry in ClinVar:

NM_002439.5(MSH3):c.452T>A (p.Val151Asp)

Gene: MSH3 (mutS homolog 3; plus strand). Cytogenetic location: 5q14.1.
Variant type: single nucleotide variant.
Coding change: c.452T>A on transcript NM_002439.5 (MANE Select); coding-DNA position 452, T replaced by A.
Protein change: p.Val151Asp; replaces valine 151 with aspartic acid.
Molecular consequence: missense variant.
Genome position (GRCh38, 1-based): chr5:80,665,236, T>A. VCF-style: chr5-80665236-T-A. GRCh37 (hg19) VCF-style: chr5-79961055-T-A.
Other names: short protein forms V151D.
Identifiers: ClinVar variation 2565668 (VCV002565668.2), dbSNP rs1749543098, ClinGen allele CA360263509.

ClinVar aggregate classification (germline): Uncertain significance (1 of 4 stars; one submission).

Conditions:
Hereditary cancer-predisposing syndrome. Also called: Neoplastic Syndromes, Hereditary; Hereditary Cancer Syndrome; Hereditary neoplastic syndrome; Tumor predisposition. Identifiers: Orphanet 140162, MedGen C0027672, MeSH D009386, MONDO:0015356.

gnomAD v4.1: 1 of 1,614,060 alleles (0.000062%); no homozygotes.

Submission:

Ambry Genetics
Classification: Uncertain significance for Hereditary cancer-predisposing syndrome. Last evaluated: 2023-05-12. Review status: criteria provided, single submitter. Criteria: Ambry Variant Classification Scheme 2023. Collection method: clinical testing. Allele origin: germline.
Comment: The p.V151D variant (also known as c.452T>A), located in coding exon 3 of the MSH3 gene, results from a T to A substitution at nucleotide position 452. The valine at codon 151 is replaced by aspartic acid, an amino acid with highly dissimilar properties. This amino acid position is conserved. In addition, this alteration is predicted to be tolerated by in silico analysis. Since supporting evidence is limited at this time, the clinical significance of this alteration remains unclear.